The following is an entry in ClinVar:

NM_139027.6(ADAMTS13):c.3724+1G>T

Gene: ADAMTS13 (ADAM metallopeptidase with thrombospondin type 1 motif 13; plus strand). Cytogenetic location: 9q34.2.
Variant type: single nucleotide variant.
Coding change: c.3724+1G>T on transcript NM_139027.6 (MANE Select); the canonical splice donor site of the intron after coding-DNA position 3724, G replaced by T.
Molecular consequence: splice donor variant.
Genome position (GRCh38, 1-based): chr9:133,456,720, G>T. VCF-style: chr9-133456720-G-T. GRCh37 (hg19) VCF-style: chr9-136321842-G-T.
Other names: c.3892+1G>T (NM_139025.5); c.3631+1G>T (NM_139026.6).
Identifiers: ClinVar variation 2860327 (VCV002860327.3), dbSNP rs1554796161, ClinGen allele CA375417879.

ClinVar aggregate classification (germline): Likely pathogenic (1 of 4 stars; one submission).

Submission:

Labcorp Genetics (formerly Invitae), Labcorp
Classification: Likely pathogenic. Last evaluated: 2023-04-28. Review status: criteria provided, single submitter. Criteria: Invitae Variant Classification Sherloc (09022015). Collection method: clinical testing. Allele origin: germline.
Comment: In summary, the currently available evidence indicates that the variant is pathogenic, but additional data are needed to prove that conclusively. Therefore, this variant has been classified as Likely Pathogenic. Algorithms developed to predict the effect of sequence changes on RNA splicing suggest that this variant may disrupt the consensus splice site. Disruption of this splice site has been observed in individual(s) with thrombotic thrombocytopenic purpura (PMID: 30312976). This variant is not present in population databases (gnomAD no frequency). This sequence change affects a donor splice site in intron 27 of the ADAMTS13 gene. It is expected to disrupt RNA splicing. Variants that disrupt the donor or acceptor splice site typically lead to a loss of protein function (PMID: 16199547), and loss-of-function variants in ADAMTS13 are known to be pathogenic (PMID: 11586351, 12753286, 21781265).

Literature cited by the submitters: PubMed 30312976; PubMed 16199547; PubMed 11586351; PubMed 12753286; PubMed 21781265.